The following is an entry in ClinVar:

NM_001161352.2(KCNMA1):c.378+805G>C

Gene: KCNMA1 (potassium calcium-activated channel subfamily M alpha 1; minus strand). Cytogenetic location: 10q22.3.
Variant type: single nucleotide variant.
Coding change: c.378+805G>C on transcript NM_001161352.2 (MANE Select); 805 bases into the intron after coding-DNA position 378, G replaced by C.
Molecular consequence: intron variant. On other transcripts: 3 prime UTR variant (2), missense variant (2).
Genome position (GRCh38, 1-based): chr10:77,636,460, C>G on the plus strand (G>C on the coding strand, the complement: KCNMA1 is on the minus strand). VCF-style: chr10-77636460-C-G. GRCh37 (hg19) VCF-style: chr10-79396218-C-G.
Other names: c.*283G>C (NM_001271520.2); c.*101G>C (NM_001271521.2); c.434G>C, p.Ser145Thr (NM_001271522.2); c.601G>C, p.Val201Leu (NM_001322839.2); c.378+805G>C (NM_001271518.2, NM_001322832.2, NM_001410940.1 and 11 more transcripts); short protein forms S145T, V201L.
Identifiers: ClinVar variation 5020612 (VCV005020612.1).

ClinVar aggregate classification (germline): Likely benign (1 of 4 stars; one submission).

gnomAD v4.1: 1 of 1,536,214 alleles (0.000065%); no homozygotes.

Submission:

Dasa
Classification: Likely benign. Last evaluated: 2026-05-06. Review status: criteria provided, single submitter. Criteria: DASA Assertion Criteria. Collection method: clinical testing. Allele origin: germline.
Comment: NM_001322839.2(KCNMA1):c.601G>C (p.Val201Leu) is a missense variant that results in the substitution of valine with leucine. The variant context is inconsistent with a known disease-causing mechanism. Computational prediction algorithms are consistent with a benign effect. Therefore, based on the currently available evidence, this variant is classified as likely benign.